The following is an entry in ClinVar:

NM_002485.5(NBN):c.92G>T (p.Cys31Phe)

Gene: NBN (nibrin; minus strand). Cytogenetic location: 8q21.3.
Variant type: single nucleotide variant.
Coding change: c.92G>T on transcript NM_002485.5 (MANE Select); coding-DNA position 92, G replaced by T.
Protein change: p.Cys31Phe; replaces cysteine 31 with phenylalanine.
Molecular consequence: missense variant. On other transcripts: 5 prime UTR variant (1).
Genome position (GRCh38, 1-based): chr8:89,982,801, C>A on the plus strand (G>T on the coding strand, the complement: NBN is on the minus strand). VCF-style: chr8-89982801-C-A. GRCh37 (hg19) VCF-style: chr8-90995029-C-A.
Other names: c.-205G>T (NM_001024688.3); short protein forms C31F.
Identifiers: ClinVar variation 2839815 (VCV002839815.3), dbSNP rs1377520302, ClinGen allele CA371663330.

ClinVar aggregate classification (germline): Uncertain significance (1 of 4 stars; one submission).

Conditions:
Microcephaly, normal intelligence and immunodeficiency (NBS). Also called: Nijmegen breakage syndrome; Microcephaly with normal intelligence immunodeficiency and lymphoreticular malignancies; Nonsyndromal microcephaly autosomal recessive with normal intelligence; Seemanova syndrome 2; BERLIN BREAKAGE SYNDROME; IMMUNODEFICIENCY, MICROCEPHALY, AND CHROMOSOMAL INSTABILITY. Identifiers: Orphanet 647, MedGen C0398791, MONDO:0009623, OMIM 251260.

Submission:

Labcorp Genetics (formerly Invitae), Labcorp
Classification: Uncertain significance for Microcephaly, normal intelligence and immunodeficiency. Last evaluated: 2023-09-21. Review status: criteria provided, single submitter. Criteria: Invitae Variant Classification Sherloc (09022015). Collection method: clinical testing. Allele origin: germline.
Comment: This sequence change replaces cysteine, which is neutral and slightly polar, with phenylalanine, which is neutral and non-polar, at codon 31 of the NBN protein (p.Cys31Phe). In summary, the available evidence is currently insufficient to determine the role of this variant in disease. Therefore, it has been classified as a Variant of Uncertain Significance. An algorithm developed to predict the effect of missense changes on protein structure and function (PolyPhen-2) suggests that this variant is likely to be disruptive. This variant has not been reported in the literature in individuals affected with NBN-related conditions. This variant is not present in population databases (gnomAD no frequency).